The following is an entry in ClinVar:

ClinVar aggregate classification (germline): Benign/Likely benign. Review status: criteria provided, multiple submitters, no conflicts (2 of 4 stars). 3 submissions from 3 submitters: Benign (1); Likely benign (2). Last evaluated 2025-08-18.

Conditions:
Charcot-Marie-Tooth disease type 2. Also called: Charcot-Marie-Tooth type 2. Identifiers: Orphanet 64746, MedGen C0270914, MONDO:0018993.

Allele frequency attached by ClinVar (database versions not stated): gnomAD 0.00003; TOPMed 0.00004; gnomAD exomes 0.00005; ExAC 0.00007.
gnomAD v4.1: 44 of 1,613,806 alleles (0.0027%); highest among the groups gnomAD compares: African/African-American, 0.0067%; no homozygotes.

Submissions (3):

Labcorp Genetics (formerly Invitae), Labcorp
Classification: Likely benign for Charcot-Marie-Tooth disease type 2. Last evaluated: 2025-08-18. Review status: criteria provided, single submitter. Criteria: Invitae Variant Classification Sherloc (09022015). Collection method: clinical testing. Allele origin: germline.

CeGaT Center for Human Genetics Tuebingen
Classification: Likely benign. Last evaluated: 2025-05-01. Review status: criteria provided, single submitter. Criteria: CeGaT Center For Human Genetics Tuebingen Variant Classification Criteria Version 2. Collection method: clinical testing. Allele origin: germline. Affected: yes. Observed: 1 variant allele.
Comment: KIF1B: BP4, BP7

Ambry Genetics
Classification: Benign. Last evaluated: 2021-03-31. Review status: criteria provided, single submitter. Criteria: Ambry Variant Classification Scheme 2023. Collection method: clinical testing. Allele origin: germline.

NM_001365951.3(KIF1B):c.4803C>T (p.His1601=)

Gene: KIF1B (kinesin family member 1B; plus strand). Cytogenetic location: 1p36.22.
Variant type: single nucleotide variant.
Coding change: c.4803C>T on transcript NM_001365951.3 (MANE Select); coding-DNA position 4803, C replaced by T.
Protein change: p.His1601=; no amino-acid change (histidine 1601 retained).
Molecular consequence: synonymous variant.
Genome position (GRCh38, 1-based): chr1:10,368,517, C>T. VCF-style: chr1-10368517-C-T. GRCh37 (hg19) VCF-style: chr1-10428575-C-T.
Other names: c.4803C>T, p.His1601= (NM_001365952.1); c.4665C>T, p.His1555= (NM_015074.3).
Identifiers: ClinVar variation 1095919 (VCV001095919.21), dbSNP rs780621329, ClinGen allele CA582179.